The following is an entry in ClinVar:

NM_000138.5(FBN1):c.1919T>C (p.Phe640Ser)

Gene: FBN1 (fibrillin 1; minus strand). Cytogenetic location: 15q21.1.
Variant type: single nucleotide variant.
Coding change: c.1919T>C on transcript NM_000138.5 (MANE Select); coding-DNA position 1919, T replaced by C.
Protein change: p.Phe640Ser; replaces phenylalanine 640 with serine.
Molecular consequence: missense variant.
Genome position (GRCh38, 1-based): chr15:48,505,066, A>G on the plus strand (T>C on the coding strand, the complement: FBN1 is on the minus strand). VCF-style: chr15-48505066-A-G. GRCh37 (hg19) VCF-style: chr15-48797263-A-G.
Other names: c.1919T>C, p.Phe640Ser (NM_001406716.1); short protein forms F640S.
Identifiers: ClinVar variation 4792617 (VCV004792617.1).

ClinVar aggregate classification (germline): Uncertain significance (1 of 4 stars; one submission).

Conditions:
Marfan syndrome (MFS). Also called: FBN1-Related Marfan Syndrome; MARFAN SYNDROME, TYPE I; Marfan syndrome type 1; Marfan's syndrome; Marfan syndrome, classic. Identifiers: Orphanet 284963, Orphanet 558, MedGen C0024796, MONDO:0007947, OMIM 154700.
Familial thoracic aortic aneurysm and aortic dissection (TAAD). Also called: Thoracic aortic aneurysms and dissections. Identifiers: Orphanet 91387, MedGen C4707243, MONDO:0019625.

Submission:

Labcorp Genetics (formerly Invitae), Labcorp
Classification: Uncertain significance for Marfan syndrome; Familial thoracic aortic aneurysm and aortic dissection. Last evaluated: 2025-12-03. Review status: criteria provided, single submitter. Criteria: Invitae Variant Classification Sherloc (09022015). Collection method: clinical testing. Allele origin: germline.
Comment: This sequence change replaces phenylalanine, which is neutral and non-polar, with serine, which is neutral and polar, at codon 640 of the FBN1 protein (p.Phe640Ser). This variant is not present in population databases (gnomAD no frequency). This variant has not been reported in the literature in individuals affected with FBN1-related conditions. Invitae Evidence Modeling of protein sequence and biophysical properties (such as structural, functional, and spatial information, amino acid conservation, physicochemical variation, residue mobility, and thermodynamic stability) indicates that this missense variant is not expected to disrupt FBN1 protein function with a negative predictive value of 95%. In summary, the available evidence is currently insufficient to determine the role of this variant in disease. Therefore, it has been classified as a Variant of Uncertain Significance.